The following is an entry in ClinVar:

ClinVar aggregate classification (germline): Conflicting classifications of pathogenicity. Review status: criteria provided, conflicting classifications (1 of 4 stars). 3 submissions from 3 submitters: Uncertain significance (1); Likely benign (2). Last evaluated 2026-03-26.

Conditions:
DNAJB11-related disorder. Also called: DNAJB11-related condition.
Inborn genetic diseases. Identifiers: MedGen C0950123, MeSH D030342.

Allele frequency attached by ClinVar (database versions not stated): gnomAD exomes 0.00008 and 0.00014; ExAC 0.00014; gnomAD 0.00030 and 0.00032; 1000 Genomes Project 30x 0.00031; TOPMed 0.00039; 1000 Genomes Project 0.00040; ESP Exome Variant Server 0.00054.
gnomAD v4.1: 159 of 1,612,164 alleles (0.0099%); highest among the groups gnomAD compares: African/African-American, 0.093%; no homozygotes.

Submissions (3):

PreventionGenetics, part of Exact Sciences
Classification: Likely benign for DNAJB11-related condition. Last evaluated: 2026-03-26. Review status: criteria provided, single submitter. Criteria: ACMG Guidelines, 2015. Collection method: clinical testing. Allele origin: germline.
Comment: This variant is classified as likely benign based on ACMG/AMP sequence variant interpretation guidelines (Richards et al. 2015 PMID: 25741868, with internal and published modifications).

Labcorp Genetics (formerly Invitae), Labcorp
Classification: Likely benign. Last evaluated: 2025-10-07. Review status: criteria provided, single submitter. Criteria: Invitae Variant Classification Sherloc (09022015). Collection method: clinical testing. Allele origin: germline.

Ambry Genetics
Classification: Uncertain significance for Inborn genetic diseases. Last evaluated: 2021-08-30. Review status: criteria provided, single submitter. Criteria: Ambry Variant Classification Scheme 2023. Collection method: clinical testing. Allele origin: germline.

NM_016306.6(DNAJB11):c.748A>G (p.Ile250Val)

Gene: DNAJB11 (DnaJ heat shock protein family (Hsp40) member B11; plus strand). Cytogenetic location: 3q27.3.
Variant type: single nucleotide variant.
Coding change: c.748A>G on transcript NM_016306.6 (MANE Select); coding-DNA position 748, A replaced by G.
Protein change: p.Ile250Val; replaces isoleucine 250 with valine.
Molecular consequence: missense variant. On other transcripts: non-coding transcript variant (5).
Genome position (GRCh38, 1-based): chr3:186,583,872, A>G. VCF-style: chr3-186583872-A-G. GRCh37 (hg19) VCF-style: chr3-186301661-A-G.
Other names: c.472A>G, p.Ile158Val (NM_001378451.1); c.748A>G (NM_016306.4, NM_016306.5); short protein forms I158V, I250V.
Identifiers: ClinVar variation 1401654 (VCV001401654.10), dbSNP rs141441408, ClinGen allele CA2744573.